The following is an entry in ClinVar:

NM_006231.4(POLE):c.92C>T (p.Ala31Val)

Gene: POLE (DNA polymerase epsilon, catalytic subunit; minus strand). Cytogenetic location: 12q24.33.
Variant type: single nucleotide variant.
Coding change: c.92C>T on transcript NM_006231.4 (MANE Select); coding-DNA position 92, C replaced by T.
Protein change: p.Ala31Val; replaces alanine 31 with valine.
Molecular consequence: missense variant.
Genome position (GRCh38, 1-based): chr12:132,681,250, G>A on the plus strand (C>T on the coding strand, the complement: POLE is on the minus strand). VCF-style: chr12-132681250-G-A. GRCh37 (hg19) VCF-style: chr12-133257836-G-A.
Other names: c.92C>T (NM_006231.2); short protein forms A31V.
Identifiers: ClinVar variation 2700950 (VCV002700950.4), dbSNP rs2043161643, ClinGen allele CA387370535.

ClinVar aggregate classification (germline): Uncertain significance. Review status: criteria provided, multiple submitters, no conflicts (2 of 4 stars). 2 submissions from 2 submitters: Uncertain significance (2). Last evaluated 2025-03-20.

Conditions:
Hereditary cancer-predisposing syndrome. Also called: Neoplastic Syndromes, Hereditary; Tumor predisposition; Hereditary neoplastic syndrome; Hereditary Cancer Syndrome. Identifiers: Orphanet 140162, MedGen C0027672, MeSH D009386, MONDO:0015356.

Allele frequency attached by ClinVar (database versions not stated): gnomAD exomes below 0.00001.
gnomAD v4.1: 1 of 1,614,198 alleles (0.000062%); highest among the groups gnomAD compares: Non-Finnish European, 0.000085%; no homozygotes.

Submissions (2):

Ambry Genetics
Classification: Uncertain significance for Hereditary cancer-predisposing syndrome. Last evaluated: 2025-03-20. Review status: criteria provided, single submitter. Criteria: Ambry Variant Classification Scheme 2023. Collection method: clinical testing. Allele origin: germline.
Comment: The p.A31V variant (also known as c.92C>T), located in coding exon 2 of the POLE gene, results from a C to T substitution at nucleotide position 92. The alanine at codon 31 is replaced by valine, an amino acid with similar properties. This amino acid position is conserved. In addition, this alteration is predicted to be tolerated by in silico analysis. Based on the available evidence, the clinical significance of this variant remains unclear.

Labcorp Genetics (formerly Invitae), Labcorp
Classification: Uncertain significance. Last evaluated: 2023-12-05. Review status: criteria provided, single submitter. Criteria: Invitae Variant Classification Sherloc (09022015). Collection method: clinical testing. Allele origin: germline.
Comment: This sequence change replaces alanine, which is neutral and non-polar, with valine, which is neutral and non-polar, at codon 31 of the POLE protein (p.Ala31Val). This variant is not present in population databases (gnomAD no frequency). This variant has not been reported in the literature in individuals affected with POLE-related conditions. Advanced modeling of protein sequence and biophysical properties (such as structural, functional, and spatial information, amino acid conservation, physicochemical variation, residue mobility, and thermodynamic stability) performed at Invitae indicates that this missense variant is not expected to disrupt POLE protein function with a negative predictive value of 80%. In summary, the available evidence is currently insufficient to determine the role of this variant in disease. Therefore, it has been classified as a Variant of Uncertain Significance.